The following is an entry in ClinVar:

ClinVar aggregate classification (germline): Uncertain significance (1 of 4 stars; one submission).

Submission:

Labcorp Genetics (formerly Invitae), Labcorp
Classification: Uncertain significance. Last evaluated: 2024-05-22. Review status: criteria provided, single submitter. Criteria: Invitae Variant Classification Sherloc (09022015). Collection method: clinical testing. Allele origin: germline.
Comment: This sequence change affects codon 251 of the INPPL1 mRNA. It is a 'silent' change, meaning that it does not change the encoded amino acid sequence of the INPPL1 protein. This variant also falls at the last nucleotide of exon 6, which is part of the consensus splice site for this exon. This variant is not present in population databases (gnomAD no frequency). This variant has not been reported in the literature in individuals affected with INPPL1-related conditions. Variants that disrupt the consensus splice site are a relatively common cause of aberrant splicing (PMID: 17576681, 9536098). Algorithms developed to predict the effect of sequence changes on RNA splicing suggest that this variant may disrupt the consensus splice site. This variant disrupts the c.753G nucleotide in the INPPL1 gene. Other variant(s) that disrupt this nucleotide have been determined to be pathogenic (PMID: 23273567). This suggests that this nucleotide is clinically significant, and that variants that disrupt this position are likely to be disease-causing. In summary, the available evidence is currently insufficient to determine the role of this variant in disease. Therefore, it has been classified as a Variant of Uncertain Significance.

Literature cited by the submitters: PubMed 17576681; PubMed 9536098; PubMed 23273567.

NM_001567.4(INPPL1):c.753G>A (p.Gln251=)

Gene: INPPL1 (inositol polyphosphate phosphatase like 1; plus strand). Cytogenetic location: 11q13.4.
Variant type: single nucleotide variant.
Coding change: c.753G>A on transcript NM_001567.4 (MANE Select); coding-DNA position 753, G replaced by A.
Protein change: p.Gln251=; no amino-acid change (glutamine 251 retained).
Molecular consequence: synonymous variant.
Genome position (GRCh38, 1-based): chr11:72,229,558, G>A. VCF-style: chr11-72229558-G-A. GRCh37 (hg19) VCF-style: chr11-71940602-G-A.
Identifiers: ClinVar variation 3645075 (VCV003645075.2).